The following is an entry in ClinVar:

NM_000322.5(PRPH2):c.288del (p.Trp97fs)

Gene: PRPH2 (peripherin 2; minus strand). Cytogenetic location: 6p21.1.
Variant type: Deletion.
Coding change: c.288del on transcript NM_000322.5 (MANE Select); coding-DNA position 288, one base deleted (C; older notation c.288delC).
Protein change: p.Trp97fs; shifts the reading frame from tryptophan 97.
Molecular consequence: frameshift variant.
Genome position (GRCh38, 1-based): chr6:42,722,047, G deleted on the plus strand (C on the coding strand, the reverse complement: PRPH2 is on the minus strand); the first of 3 consecutive G bases (chr6:42,722,047-42,722,049); deleting any one gives the same sequence. VCF-style (leftmost placement, unchanged base first): chr6-42722046-AG-A. GRCh37 (hg19) VCF-style: chr6-42689784-AG-A.
Other names: short protein forms W97fs.
Identifiers: ClinVar variation 2015443 (VCV002015443.5), dbSNP rs2548309785, ClinGen allele CA2580074534.

ClinVar aggregate classification (germline): Pathogenic/Likely pathogenic. Review status: criteria provided, multiple submitters, no conflicts (2 of 4 stars). 2 submissions from 2 submitters: Pathogenic (1); Likely pathogenic (1). Last evaluated 2025-01-06.

Conditions:
PRPH2-related disorder. Also called: PRPH2-related condition; PRPH2-related disorders. Identifiers: MedGen CN239395.

Submissions (2):

Labcorp Genetics (formerly Invitae), Labcorp
Classification: Pathogenic for PRPH2-related disorder. Last evaluated: 2025-01-06. Review status: criteria provided, single submitter. Criteria: Invitae Variant Classification Sherloc (09022015). Collection method: clinical testing. Allele origin: germline.
Comment: This sequence change creates a premature translational stop signal (p.Trp97Glyfs*2) in the PRPH2 gene. It is expected to result in an absent or disrupted protein product. Loss-of-function variants in PRPH2 are known to be pathogenic (PMID: 8111389, 8485575, 8485576, 8675410, 16916875, 17504850, 22863181, 25675413, 26061163, 27365499, 29555955, 33546218). This variant is not present in population databases (gnomAD no frequency). This variant has not been reported in the literature in individuals affected with PRPH2-related conditions. ClinVar contains an entry for this variant (Variation ID: 2015443). For these reasons, this variant has been classified as Pathogenic.

Blueprint Genetics
Classification: Likely pathogenic for PRPH2-related disorders. Last evaluated: 2020-11-18. Review status: criteria provided, single submitter. Criteria: ACMG Guidelines, 2015. Collection method: clinical testing. Allele origin: germline. Affected: yes. Observed: 1 variant allele.

Literature cited by the submitters: PubMed 8111389 (cited by Labcorp Genetics (formerly Invitae), Labcorp); PubMed 8485575 (cited by Labcorp Genetics (formerly Invitae), Labcorp); PubMed 8485576 (cited by Labcorp Genetics (formerly Invitae), Labcorp); PubMed 8675410 (cited by Labcorp Genetics (formerly Invitae), Labcorp); PubMed 16916875 (cited by Labcorp Genetics (formerly Invitae), Labcorp); PubMed 17504850 (cited by Labcorp Genetics (formerly Invitae), Labcorp); PubMed 22863181 (cited by Labcorp Genetics (formerly Invitae), Labcorp); PubMed 25675413 (cited by Labcorp Genetics (formerly Invitae), Labcorp); PubMed 26061163 (cited by Labcorp Genetics (formerly Invitae), Labcorp); PubMed 27365499 (cited by Labcorp Genetics (formerly Invitae), Labcorp); PubMed 29555955 (cited by Labcorp Genetics (formerly Invitae), Labcorp); PubMed 33546218 (cited by Labcorp Genetics (formerly Invitae), Labcorp).